The following is an entry in ClinVar:

ClinVar aggregate classification (germline): Uncertain significance. Review status: criteria provided, multiple submitters, no conflicts (2 of 4 stars). 2 submissions from 2 submitters: Uncertain significance (2). Last evaluated 2025-06-09.

Conditions:
Inborn genetic diseases. Identifiers: MedGen C0950123, MeSH D030342.
KMT2C-related disorder. Also called: KMT2C-related condition; KMT2C-related disorders.

gnomAD v4.1: 1 of 1,599,676 alleles (0.000063%); highest among the groups gnomAD compares: Non-Finnish European, 0.000085%; no homozygotes.

Submissions (2):

PreventionGenetics, part of Exact Sciences
Classification: Uncertain significance for KMT2C-related condition. Last evaluated: 2025-06-09. Review status: criteria provided, single submitter. Criteria: ACMG Guidelines, 2015. Collection method: clinical testing. Allele origin: germline.
Comment: The KMT2C c.4160C>T variant is predicted to result in the amino acid substitution p.Ser1387Leu. To our knowledge, this variant has not been reported in the literature or in a large population database (gnomAD), indicating this variant is rare. At this time, the clinical significance of this variant is uncertain due to the absence of conclusive functional and genetic evidence.

Ambry Genetics
Classification: Uncertain significance for Inborn genetic diseases. Last evaluated: 2025-02-25. Review status: criteria provided, single submitter. Criteria: Ambry Variant Classification Scheme 2023. Collection method: clinical testing. Allele origin: germline.

NM_170606.3(KMT2C):c.4160C>T (p.Ser1387Leu)

Gene: KMT2C (lysine methyltransferase 2C; minus strand). Cytogenetic location: 7q36.1.
Variant type: single nucleotide variant.
Coding change: c.4160C>T on transcript NM_170606.3 (MANE Select); coding-DNA position 4160, C replaced by T.
Protein change: p.Ser1387Leu; replaces serine 1387 with leucine.
Molecular consequence: missense variant.
Genome position (GRCh38, 1-based): chr7:152,199,392, G>A on the plus strand (C>T on the coding strand, the complement: KMT2C is on the minus strand). VCF-style: chr7-152199392-G-A. GRCh37 (hg19) VCF-style: chr7-151896477-G-A.
Other names: short protein forms S1387L.
Identifiers: ClinVar variation 3865123 (VCV003865123.2).